The following is an entry in ClinVar:

NM_005629.4(SLC6A8):c.1323C>G (p.Phe441Leu)

Gene: SLC6A8 (solute carrier family 6 member 8; plus strand). Cytogenetic location: Xq28.
Variant type: single nucleotide variant.
Coding change: c.1323C>G on transcript NM_005629.4 (MANE Select); coding-DNA position 1323, C replaced by G.
Protein change: p.Phe441Leu; replaces phenylalanine 441 with leucine.
Molecular consequence: missense variant.
Genome position (GRCh38, 1-based): chrX:153,694,198, C>G. VCF-style: chrX-153694198-C-G. GRCh37 (hg19) VCF-style: chrX-152959653-C-G.
Other names: c.1293C>G, p.Phe431Leu (NM_001142805.2); c.978C>G, p.Phe326Leu (NM_001142806.1); short protein forms F441L, F431L, F326L.
Identifiers: ClinVar variation 2729898 (VCV002729898.3), dbSNP rs1057523404, ClinGen allele CA415086820.
Genomic context (GRCh38, chrX:153,694,198, plus strand): 5'-TGTGGAGGGCTTCATCACCGGCCTCCTCGACCTCCTCCCGGCCTCCTACTACTTCCGTTT[C>G]CAAAGGGAGATCTCTGTGGCCCTCTGTTGTGCCCTCTGCTTTGTCATCGATCTCTCCATG-3'
Protein context (NP_005620.1, residues 431-451): DLLPASYYFR[Phe441Leu]QREISVALCC

ClinVar aggregate classification (germline): Uncertain significance (1 of 4 stars; one submission).

Conditions:
Creatine transporter deficiency (CCDS1). Also called: Creatine Transporter (CRTR) Deficiency; Mental retardation , X-linked with seizures, short stature and midface hypoplasia; Mental retardation , X-linked, with creatine transport deficiency; X-linked creatine transporter deficiency; X-linked creatine deficiency syndrome; SLC6A8-Related Creatine Transporter Deficiency. Identifiers: Orphanet 52503, MedGen C1845862, MONDO:0010305, OMIM 300352.

Submission:

Labcorp Genetics (formerly Invitae), Labcorp
Classification: Uncertain significance for Creatine transporter deficiency. Last evaluated: 2023-06-27. Review status: criteria provided, single submitter. Criteria: Invitae Variant Classification Sherloc (09022015). Collection method: clinical testing. Allele origin: germline.
Comment: In summary, the available evidence is currently insufficient to determine the role of this variant in disease. Therefore, it has been classified as a Variant of Uncertain Significance. Advanced modeling of protein sequence and biophysical properties (such as structural, functional, and spatial information, amino acid conservation, physicochemical variation, residue mobility, and thermodynamic stability) performed at Invitae indicates that this missense variant is not expected to disrupt SLC6A8 protein function. This variant has not been reported in the literature in individuals affected with SLC6A8-related conditions. This variant is not present in population databases (gnomAD no frequency). This sequence change replaces phenylalanine, which is neutral and non-polar, with leucine, which is neutral and non-polar, at codon 441 of the SLC6A8 protein (p.Phe441Leu).